The following is an entry in ClinVar:

ClinVar aggregate classification (germline): Likely benign. Review status: criteria provided, multiple submitters, no conflicts (2 of 4 stars). 2 submissions from 2 submitters: Likely benign (2). Last evaluated 2024-12-01.

Allele frequency attached by ClinVar (database versions not stated): ExAC 0.00004; 1000 Genomes Project 30x 0.00234; gnomAD 0.00398.

Submissions (2):

CeGaT Center for Human Genetics Tuebingen
Classification: Likely benign. Last evaluated: 2024-12-01. Review status: criteria provided, single submitter. Criteria: CeGaT Center For Human Genetics Tuebingen Variant Classification Criteria Version 2. Collection method: clinical testing. Allele origin: germline. Affected: yes. Observed: 3 variant alleles.
Comment: ZNF99: BP4, BP7

Breakthrough Genomics
Classification: Likely benign. Review status: criteria provided, single submitter. Criteria: ACMG Guidelines, 2015. Collection method: not provided. Allele origin: germline. Inheritance: Unknown mechanism. Affected: yes.

NM_001080409.3(ZNF99):c.2157T>C (p.Thr719=)

Gene: ZNF99 (zinc finger protein 99; minus strand). Cytogenetic location: 19p12.
Variant type: single nucleotide variant.
Coding change: c.2157T>C on transcript NM_001080409.3 (MANE Select); coding-DNA position 2157, T replaced by C.
Protein change: p.Thr719=; no amino-acid change (threonine 719 retained).
Molecular consequence: synonymous variant.
Genome position (GRCh38, 1-based): chr19:22,757,752, A>G on the plus strand (T>C on the coding strand, the complement: ZNF99 is on the minus strand). VCF-style: chr19-22757752-A-G. GRCh37 (hg19) VCF-style: chr19-22940554-A-G.
Identifiers: ClinVar variation 2649652 (VCV002649652.24), dbSNP rs12980594, ClinGen allele CA9345921.